The following is an entry in ClinVar:

NM_001184.4(ATR):c.324G>A (p.Leu108=)

Gene: ATR (ATR checkpoint kinase; minus strand). Cytogenetic location: 3q23.
Variant type: single nucleotide variant.
Coding change: c.324G>A on transcript NM_001184.4 (MANE Select); coding-DNA position 324, G replaced by A.
Protein change: p.Leu108=; no amino-acid change (leucine 108 retained).
Molecular consequence: synonymous variant.
Genome position (GRCh38, 1-based): chr3:142,563,078, C>T on the plus strand (G>A on the coding strand, the complement: ATR is on the minus strand). VCF-style: chr3-142563078-C-T. GRCh37 (hg19) VCF-style: chr3-142281920-C-T.
Other names: c.324G>A, p.Leu108= (NM_001354579.2).
Identifiers: ClinVar variation 902645 (VCV000902645.35), dbSNP rs538761445, ClinGen allele CA2650785.

ClinVar aggregate classification (germline): Conflicting classifications of pathogenicity. Review status: criteria provided, conflicting classifications (1 of 4 stars). 4 submissions from 4 submitters: Uncertain significance (1); Likely benign (3). Last evaluated 2025-10-14.

Conditions:
Seckel syndrome 1 (SCKL1). Also called: MICROCEPHALIC PRIMORDIAL DWARFISM I. Identifiers: Orphanet 808, MedGen C4551474, MONDO:0008869, OMIM 210600.
Inborn genetic diseases. Identifiers: MedGen C0950123, MeSH D030342.

Allele frequency attached by ClinVar (database versions not stated): gnomAD 0.00001; gnomAD exomes 0.00002 and 0.00005; ExAC 0.00003; TOPMed 0.00004; 1000 Genomes Project 0.00020; 1000 Genomes Project 30x 0.00031.
gnomAD v4.1: 38 of 1,603,844 alleles (0.0024%); highest among the groups gnomAD compares: Middle Eastern, 0.05%; no homozygotes.

Submissions (4):

Labcorp Genetics (formerly Invitae), Labcorp
Classification: Likely benign. Last evaluated: 2025-10-14. Review status: criteria provided, single submitter. Criteria: Invitae Variant Classification Sherloc (09022015). Collection method: clinical testing. Allele origin: germline.

CeGaT Center for Human Genetics Tuebingen
Classification: Likely benign. Last evaluated: 2024-10-01. Review status: criteria provided, single submitter. Criteria: CeGaT Center For Human Genetics Tuebingen Variant Classification Criteria Version 2. Collection method: clinical testing. Allele origin: germline. Affected: yes. Observed: 2 variant alleles.
Comment: ATR: BP4, BP7

Ambry Genetics
Classification: Likely benign for Inborn genetic diseases. Last evaluated: 2022-03-26. Review status: criteria provided, single submitter. Criteria: Ambry Variant Classification Scheme 2023. Collection method: clinical testing. Allele origin: germline.

Illumina Laboratory Services, Illumina
Classification: Uncertain significance for Seckel syndrome 1. Last evaluated: 2018-01-12. Review status: criteria provided, single submitter. Criteria: ICSL Variant Classification Criteria 13 December 2019. Collection method: clinical testing. Allele origin: germline.